The following is an entry in ClinVar:

ClinVar aggregate classification (germline): Uncertain significance (1 of 4 stars; one submission).

Conditions:
Fanconi anemia (FA). Also called: Fanconi's anemia. Identifiers: Orphanet 84, MedGen C0015625, MeSH D005199, MONDO:0019391.

gnomAD v4.1: 2 of 1,613,900 alleles (0.00012%); highest among the groups gnomAD compares: Admixed American, 0.0017%; no homozygotes.

Submission:

Labcorp Genetics (formerly Invitae), Labcorp
Classification: Uncertain significance for Fanconi anemia. Last evaluated: 2024-12-08. Review status: criteria provided, single submitter. Criteria: Invitae Variant Classification Sherloc (09022015). Collection method: clinical testing. Allele origin: germline.
Comment: This sequence change replaces histidine, which is basic and polar, with proline, which is neutral and non-polar, at codon 287 of the FANCD2 protein (p.His287Pro). This variant is not present in population databases (gnomAD no frequency). This variant has not been reported in the literature in individuals affected with FANCD2-related conditions. Invitae Evidence Modeling of protein sequence and biophysical properties (such as structural, functional, and spatial information, amino acid conservation, physicochemical variation, residue mobility, and thermodynamic stability) indicates that this missense variant is expected to disrupt FANCD2 protein function with a positive predictive value of 80%. In summary, the available evidence is currently insufficient to determine the role of this variant in disease. Therefore, it has been classified as a Variant of Uncertain Significance.

NM_001018115.3(FANCD2):c.860A>C (p.His287Pro)

Genes: FANCD2 (FA complementation group D2; plus strand), LOC107303338 (3p25 FANCD2 Alu-mediated recombination region; plus strand). Cytogenetic location: 3p25.3.
Variant type: single nucleotide variant.
Coding change: c.860A>C on transcript NM_001018115.3 (MANE Select); coding-DNA position 860, A replaced by C.
Protein change: p.His287Pro; replaces histidine 287 with proline.
Molecular consequence: missense variant.
Genome position (GRCh38, 1-based): chr3:10,042,635, A>C. VCF-style: chr3-10042635-A-C. GRCh37 (hg19) VCF-style: chr3-10084319-A-C.
Other names: c.860A>C, p.His287Pro (NM_001319984.2, NM_001374253.1, NM_001374254.1 and 1 more transcripts); short protein forms H287P.
Identifiers: ClinVar variation 3617728 (VCV003617728.2).